The following is an entry in ClinVar:

NM_004725.4(BUB3):c.398C>A (p.Thr133Asn)

Gene: BUB3 (BUB3 mitotic checkpoint protein; plus strand). Cytogenetic location: 10q26.13.
Variant type: single nucleotide variant.
Coding change: c.398C>A on transcript NM_004725.4 (MANE Select); coding-DNA position 398, C replaced by A.
Protein change: p.Thr133Asn; replaces threonine 133 with asparagine.
Molecular consequence: missense variant.
Genome position (GRCh38, 1-based): chr10:123,157,861, C>A. VCF-style: chr10-123157861-C-A. GRCh37 (hg19) VCF-style: chr10-124917377-C-A.
Other names: c.398C>A, p.Thr133Asn (NM_001007793.3); short protein forms T133N.
Identifiers: ClinVar variation 2448145 (VCV002448145.2), dbSNP rs2493759997, ClinGen allele CA378625626.
Genomic context (GRCh38, chr10:123,157,861, plus strand): 5'-CTGGAAGTTGGGATCAGACAGTTAAACTGTGGGATCCCAGAACTCCTTGTAATGCTGGGA[C>A]CTTCTCTCAGCCTGAAAAGGTAGGCTCTTTATATTCATTGCAGGAGTTGATGGTTTTGGG-3'
Protein context (NP_004716.1, residues 123-143): WDPRTPCNAG[Thr133Asn]FSQPEKVYTL

ClinVar aggregate classification (germline): Uncertain significance (1 of 4 stars; one submission).

Submission:

Ambry Genetics
Classification: Uncertain significance. Last evaluated: 2023-02-20. Review status: criteria provided, single submitter. Criteria: Ambry Variant Classification Scheme 2023. Collection method: clinical testing. Allele origin: germline.
Comment: The p.T133N variant (also known as c.398C>A), located in coding exon 3 of the BUB3 gene, results from a C to A substitution at nucleotide position 398. The threonine at codon 133 is replaced by asparagine, an amino acid with similar properties. This amino acid position is conserved. In addition, this alteration is predicted to be tolerated by in silico analysis. Since supporting evidence is limited at this time, the clinical significance of this alteration remains unclear.